The following is an entry in ClinVar:

ClinVar aggregate classification (germline): Uncertain significance (1 of 4 stars; one submission).

gnomAD v4.1: 2 of 1,604,168 alleles (0.00012%); highest among the groups gnomAD compares: Non-Finnish European, 0.00017%; no homozygotes.

Submission:

Labcorp Genetics (formerly Invitae), Labcorp
Classification: Uncertain significance. Last evaluated: 2024-07-10. Review status: criteria provided, single submitter. Criteria: Invitae Variant Classification Sherloc (09022015). Collection method: clinical testing. Allele origin: germline.
Comment: This sequence change replaces aspartic acid, which is acidic and polar, with histidine, which is basic and polar, at codon 682 of the SLC26A1 protein (p.Asp682His). This variant is not present in population databases (gnomAD no frequency). This variant has not been reported in the literature in individuals affected with SLC26A1-related conditions. Advanced modeling of protein sequence and biophysical properties (such as structural, functional, and spatial information, amino acid conservation, physicochemical variation, residue mobility, and thermodynamic stability) performed at Invitae indicates that this missense variant is not expected to disrupt SLC26A1 protein function with a negative predictive value of 80%. In summary, the available evidence is currently insufficient to determine the role of this variant in disease. Therefore, it has been classified as a Variant of Uncertain Significance.

NM_022042.4(SLC26A1):c.2044G>C (p.Asp682His)

Genes: IDUA (alpha-L-iduronidase; plus strand), SLC26A1 (solute carrier family 26 member 1; minus strand). Cytogenetic location: 4p16.3.
Variant type: single nucleotide variant.
Coding change: c.2044G>C on transcript NM_022042.4 (MANE Select); coding-DNA position 2044, G replaced by C.
Protein change: p.Asp682His; replaces aspartic acid 682 with histidine.
Molecular consequence: missense variant. On other transcripts: intron variant (2).
Genome position (GRCh38, 1-based): chr4:988,895, C>G on the plus strand (G>C on the coding strand, the complement: SLC26A1 is on the minus strand). VCF-style: chr4-988895-C-G. GRCh37 (hg19) VCF-style: chr4-982683-C-G.
Other names: c.2044G>C, p.Asp682His (NM_213613.4); c.576+2233G>C (NM_134425.4); c.299+946C>G (NM_000203.5); short protein forms D682H.
Identifiers: ClinVar variation 2994694 (VCV002994694.3), dbSNP rs2534014560, ClinGen allele CA355947822.